The following is an entry in ClinVar:

ClinVar aggregate classification (germline): Uncertain significance (1 of 4 stars; one submission).

Conditions:
ALDH7A1-related disorder. Also called: ALDH7A1-related condition.

gnomAD v4.1: 5 of 1,613,844 alleles (0.00031%); highest among the groups gnomAD compares: Non-Finnish European, 0.00042%; no homozygotes.

Submission:

PreventionGenetics, part of Exact Sciences
Classification: Uncertain significance for ALDH7A1-related condition. Last evaluated: 2025-09-18. Review status: criteria provided, single submitter. Criteria: ACMG Guidelines, 2015. Collection method: clinical testing. Allele origin: germline.
Comment: The ALDH7A1 c.433G>A variant is predicted to result in the amino acid substitution p.Gly145Ser. To our knowledge, this variant has not been reported in the literature or in a large population database (gnomAD), indicating this variant is rare. At this time, the clinical significance of this variant is uncertain due to the absence of conclusive functional and genetic evidence.

NM_001182.5(ALDH7A1):c.433G>A (p.Gly145Ser)

Gene: ALDH7A1 (aldehyde dehydrogenase 7 family member A1; minus strand). Cytogenetic location: 5q23.2.
Variant type: single nucleotide variant.
Coding change: c.433G>A on transcript NM_001182.5 (MANE Select); coding-DNA position 433, G replaced by A.
Protein change: p.Gly145Ser; replaces glycine 145 with serine.
Molecular consequence: missense variant.
Genome position (GRCh38, 1-based): chr5:126,582,935, C>T on the plus strand (G>A on the coding strand, the complement: ALDH7A1 is on the minus strand). VCF-style: chr5-126582935-C-T. GRCh37 (hg19) VCF-style: chr5-125918627-C-T.
Other names: c.349G>A, p.Gly117Ser (NM_001201377.2); c.433G>A, p.Gly145Ser (NM_001202404.2); short protein forms G117S, G145S.
Identifiers: ClinVar variation 4988657 (VCV004988657.1).